The following is an entry in ClinVar:

ClinVar aggregate classification (germline): Uncertain significance (1 of 4 stars; one submission).

Conditions:
Arginine:glycine amidinotransferase deficiency (CCDS3). Also called: AGAT deficiency; L-Arginine:Glycine Amidinotransferase Deficiency; L-Arginine:Glycine Amidinotransferase (AGAT) Deficiency; Creatine deficiency syndrome due to AGAT deficiency; GATM deficiency; Cerebral creatine deficiency syndrome 3. Identifiers: Orphanet 35704, MedGen C2675179, MONDO:0012996, OMIM 612718.

Allele frequency attached by ClinVar (database versions not stated): gnomAD exomes below 0.00001.

Submission:

Labcorp Genetics (formerly Invitae), Labcorp
Classification: Uncertain significance for Arginine:glycine amidinotransferase deficiency. Last evaluated: 2022-09-09. Review status: criteria provided, single submitter. Criteria: Invitae Variant Classification Sherloc (09022015). Collection method: clinical testing. Allele origin: germline.
Comment: This sequence change replaces histidine, which is basic and polar, with tyrosine, which is neutral and polar, at codon 284 of the GATM protein (p.His284Tyr). This variant is present in population databases (no rsID available, gnomAD 0.01%). This variant has not been reported in the literature in individuals affected with GATM-related conditions. Advanced modeling of protein sequence and biophysical properties (such as structural, functional, and spatial information, amino acid conservation, physicochemical variation, residue mobility, and thermodynamic stability) performed at Invitae indicates that this missense variant is not expected to disrupt GATM protein function. In summary, the available evidence is currently insufficient to determine the role of this variant in disease. Therefore, it has been classified as a Variant of Uncertain Significance.

NM_001482.3(GATM):c.850C>T (p.His284Tyr)

Gene: GATM (glycine amidinotransferase; minus strand). Cytogenetic location: 15q21.1.
Variant type: single nucleotide variant.
Coding change: c.850C>T on transcript NM_001482.3 (MANE Select); coding-DNA position 850, C replaced by T.
Protein change: p.His284Tyr; replaces histidine 284 with tyrosine.
Molecular consequence: missense variant.
Genome position (GRCh38, 1-based): chr15:45,366,174, G>A on the plus strand (C>T on the coding strand, the complement: GATM is on the minus strand). VCF-style: chr15-45366174-G-A. GRCh37 (hg19) VCF-style: chr15-45658372-G-A.
Other names: c.463C>T, p.His155Tyr (NM_001321015.2); short protein forms H155Y, H284Y.
Identifiers: ClinVar variation 2137536 (VCV002137536.1), dbSNP rs1429541102, ClinGen allele CA392258165.